The following is an entry in ClinVar:

NM_001283009.2(RTEL1):c.3115C>T (p.Pro1039Ser)

Genes: RTEL1 (regulator of telomere elongation helicase 1; plus strand), RTEL1-TNFRSF6B (RTEL1-TNFRSF6B readthrough (NMD candidate); plus strand). Cytogenetic location: 20q13.33.
Variant type: single nucleotide variant.
Coding change: c.3115C>T on transcript NM_001283009.2 (MANE Select); coding-DNA position 3115, C replaced by T.
Protein change: p.Pro1039Ser; replaces proline 1039 with serine.
Molecular consequence: missense variant. On other transcripts: non-coding transcript variant (1).
Genome position (GRCh38, 1-based): chr20:63,694,746, C>T. VCF-style: chr20-63694746-C-T. GRCh37 (hg19) VCF-style: chr20-62326099-C-T.
Other names: c.2446C>T, p.Pro816Ser (NM_001283010.1); c.3115C>T, p.Pro1039Ser (NM_016434.4); c.3187C>T, p.Pro1063Ser (NM_032957.5); short protein forms P1039S, P1063S, P816S.
Identifiers: ClinVar variation 1448606 (VCV001448606.6), dbSNP rs976592801, ClinGen allele CA317528023.

ClinVar aggregate classification (germline): Uncertain significance. Review status: criteria provided, multiple submitters, no conflicts (2 of 4 stars). 2 submissions from 2 submitters: Uncertain significance (2). Last evaluated 2024-11-30.

Conditions:
Inborn genetic diseases. Identifiers: MedGen C0950123, MeSH D030342.
Dyskeratosis congenita, autosomal recessive 5 (DKCB5). Identifiers: MedGen C3554656, MONDO:0014076, OMIM 615190.
Pulmonary fibrosis and/or bone marrow failure, Telomere-related, 3. Also called: PULMONARY FIBROSIS AND/OR BONE MARROW FAILURE SYNDROME, TELOMERE-RELATED, 3. Identifiers: Orphanet 2032, MedGen C4225346, MONDO:0014613, OMIM 616373.

Allele frequency attached by ClinVar (database versions not stated): gnomAD exomes below 0.00001; gnomAD 0.00001; TOPMed 0.00002.
gnomAD v4.1: 8 of 1,601,974 alleles (0.0005%); highest among the groups gnomAD compares: African/African-American, 0.0067%; no homozygotes.

Submissions (2):

Ambry Genetics
Classification: Uncertain significance for Inborn genetic diseases. Last evaluated: 2024-11-30. Review status: criteria provided, single submitter. Criteria: Ambry Variant Classification Scheme 2023. Collection method: clinical testing. Allele origin: germline.
Comment: The p.P1039S variant (also known as c.3115C>T), located in coding exon 31 of the RTEL1 gene, results from a C to T substitution at nucleotide position 3115. The proline at codon 1039 is replaced by serine, an amino acid with similar properties. This amino acid position is conserved. In addition, this alteration is predicted to be tolerated by in silico analysis. Based on the available evidence, the clinical significance of this variant remains unclear.

Labcorp Genetics (formerly Invitae), Labcorp
Classification: Uncertain significance for Dyskeratosis congenita, autosomal recessive 5; Pulmonary fibrosis and/or bone marrow failure, Telomere-related, 3. Last evaluated: 2021-08-30. Review status: criteria provided, single submitter. Criteria: Invitae Variant Classification Sherloc (09022015). Collection method: clinical testing. Allele origin: germline.
Comment: This sequence change replaces proline with serine at codon 1039 of the RTEL1 protein (p.Pro1039Ser). The proline residue is weakly conserved and there is a moderate physicochemical difference between proline and serine. This variant is not present in population databases (ExAC no frequency). This variant has not been reported in the literature in individuals affected with RTEL1-related conditions. Algorithms developed to predict the effect of missense changes on protein structure and function output the following: SIFT: "Tolerated"; PolyPhen-2: "Benign"; Align-GVGD: "Class C0". The serine amino acid residue is found in multiple mammalian species, which suggests that this missense change does not adversely affect protein function. In summary, the available evidence is currently insufficient to determine the role of this variant in disease. Therefore, it has been classified as a Variant of Uncertain Significance.